The following is an entry in ClinVar:

ClinVar aggregate classification (germline): Conflicting classifications of pathogenicity. Review status: criteria provided, conflicting classifications (1 of 4 stars). 11 submissions from 10 submitters: Uncertain significance (1); Benign (6); Likely benign (2). 2 of the submissions do not count toward it. Last evaluated 2026-02-04.

Conditions:
Maturity-onset diabetes of the young (MODY). Also called: Maturity onset diabetes mellitus in young. Identifiers: Orphanet 552, MedGen C0342276, MONDO:0018911, HP:0004904.
Familial hyperinsulinism. Also called: Congenital hyperinsulinism. Identifiers: Orphanet 276525, MedGen C3888018, MONDO:0017182. Disease mechanism: loss of function.
Maturity-onset diabetes of the young type 1. Also called: MILD JUVENILE DIABETES MELLITUS; MODY, type I; MODY type 1; Diabetes mellitus MODY type 1; MODY HNF4A related; HNF4A-Related Maturity-Onset Diabetes of the Young Type 1. Identifiers: Orphanet 552, MedGen C1852093, MONDO:0007452, OMIM 125850. Disease mechanism: loss of function.
Type 2 diabetes mellitus. Also called: Type II diabetes mellitus. Identifiers: MedGen C0011860, MeSH D003924, MONDO:0005148, OMIM 125853, HP:0005978.

Allele frequency attached by ClinVar (database versions not stated): TOPMed 0.00631; 1000 Genomes Project 0.01218; gnomAD exomes 0.00134 and 0.00331; ExAC 0.00424; gnomAD 0.00598 and 0.00602; ESP Exome Variant Server 0.00661; 1000 Genomes Project 30x 0.01187.
gnomAD v4.1: 2,941 of 1,613,766 alleles (0.18%); highest among the groups gnomAD compares: African/African-American, 1.9%; 35 homozygotes.

Submissions (11):

Labcorp Genetics (formerly Invitae), Labcorp
Classification: Benign. Last evaluated: 2026-02-04. Review status: criteria provided, single submitter. Criteria: Invitae Variant Classification Sherloc (09022015). Collection method: clinical testing. Allele origin: germline.

ARUP Laboratories, Molecular Genetics and Genomics, ARUP Laboratories
Classification: Benign. Last evaluated: 2023-10-14. Review status: criteria provided, single submitter. Criteria: ARUP Molecular Germline Variant Investigation Process 2024. Collection method: clinical testing. Allele origin: germline.

Illumina Laboratory Services, Illumina
Classification: Likely benign for Familial hyperinsulinism. Last evaluated: 2018-01-12. Review status: criteria provided, single submitter. Criteria: ICSL Variant Classification Criteria 13 December 2019. Collection method: clinical testing. Allele origin: germline.
Comment: This variant was observed in the ICSL laboratory as part of a predisposition screen in an ostensibly healthy population. It had not been previously curated by ICSL or reported in the Human Gene Mutation Database (HGMD: prior to June 1st, 2018), and was therefore a candidate for classification through an automated scoring system. Utilizing variant allele frequency, disease prevalence and penetrance estimates, and inheritance mode, an automated score was calculated to assess if this variant is too frequent to cause the disease. Based on the score and internal cut-off values, a variant classified as likely benign is not then subjected to further curation. The score for this variant resulted in a classification of likely benign for this disease.

Illumina Laboratory Services, Illumina
Classification: Benign for Maturity-onset diabetes of the young type 1. Last evaluated: 2018-01-12. Review status: criteria provided, single submitter. Criteria: ICSL Variant Classification Criteria 13 December 2019. Collection method: clinical testing. Allele origin: germline.
Comment: This variant was observed in the ICSL laboratory as part of a predisposition screen in an ostensibly healthy population. It had not been previously curated by ICSL or reported in the Human Gene Mutation Database (HGMD: prior to June 1st, 2018), and was therefore a candidate for classification through an automated scoring system. Utilizing variant allele frequency, disease prevalence and penetrance estimates, and inheritance mode, an automated score was calculated to assess if this variant is too frequent to cause the disease. Based on the score and internal cut-off values, a variant classified as benign is not then subjected to further curation. The score for this variant resulted in a classification of benign for this disease.

Ambry Genetics
Classification: Benign for Maturity-onset diabetes of the young. Last evaluated: 2017-11-16. Review status: criteria provided, single submitter. Criteria: Ambry Variant Classification Scheme 2023. Collection method: clinical testing. Allele origin: germline.

GeneDx
Classification: Benign. Last evaluated: 2017-07-14. Review status: criteria provided, single submitter. Criteria: GeneDx Variant Classification (06012015). Collection method: clinical testing. Allele origin: germline. Affected: yes.
Comment: This variant is considered likely benign or benign based on one or more of the following criteria: it is a conservative change, it occurs at a poorly conserved position in the protein, it is predicted to be benign by multiple in silico algorithms, and/or has population frequency not consistent with disease.

Women's Health and Genetics/Laboratory Corporation of America, LabCorp
Classification: Likely benign for MODY1. Last evaluated: 2011-08-18. Review status: criteria provided, single submitter. Criteria: LabCorp Variant Classification Summary - May 2015. Collection method: curation, clinical testing. Allele origin: germline. Inheritance: autosomal unknown. Affected: yes. Observed: 1 variant allele.
ClinVar note: Converted during submission from likely benign to Likely benign.

Clinical Genomics, Uppaluri K&H Personalized Medicine Clinic
Classification: Uncertain significance for Type 2 diabetes mellitus. Review status: criteria provided, single submitter. Criteria: K&H Uppaluri Personalized Medicine Clinic Variant Classification & Assertion Criteria. Collection method: research. Allele origin: somatic.
Comment: Mutations in HNF4A are associated with poor insulin secretion in response to hyperglycemia. These are associated with MODY1. Patients initially respond well to sulfonylureas but eventually become insulin dependent. However, no sufficient evidence was found for role of rs113308087 variant in T2DM.

PreventionGenetics, part of Exact Sciences
Classification: Benign. Review status: criteria provided, single submitter. Criteria: ACMG Guidelines, 2015. Collection method: clinical testing. Allele origin: germline.

Genome Diagnostics Laboratory, University Medical Center Utrecht
Classification: Benign. Review status: no assertion criteria provided. Collection method: clinical testing. Allele origin: germline. Affected: yes. Study: VKGL Data-share Consensus. Not counted in ClinVar's aggregate classification.

Laboratory of Diagnostic Genome Analysis, Leiden University Medical Center (LUMC)
Classification: Likely benign. Review status: no assertion criteria provided. Collection method: clinical testing. Allele origin: germline. Affected: yes. Study: VKGL Data-share Consensus. Not counted in ClinVar's aggregate classification.

Literature cited by the submitters: PubMed 16883527 (cited by Women's Health and Genetics/Laboratory Corporation of America, LabCorp); PubMed 29792621 (cited by Clinical Genomics, Uppaluri K&H Personalized Medicine Clinic).

NM_175914.5(HNF4A):c.393T>C (p.Asn131=)

Gene: HNF4A (hepatocyte nuclear factor 4 alpha; plus strand). Cytogenetic location: 20q13.12.
Variant type: single nucleotide variant.
Coding change: c.393T>C on transcript NM_175914.5 (MANE Select); coding-DNA position 393, T replaced by C.
Protein change: p.Asn131=; no amino-acid change (asparagine 131 retained).
Molecular consequence: synonymous variant.
Genome position (GRCh38, 1-based): chr20:44,413,767, T>C. VCF-style: chr20-44413767-T-C. GRCh37 (hg19) VCF-style: chr20-43042407-T-C.
Other names: c.459T>C, p.Asn153= (NM_000457.6, NM_178849.3, NM_178850.3); c.393T>C, p.Asn131= (NM_001030003.3, NM_001030004.3); c.438T>C, p.Asn146= (NM_001258355.2); c.384T>C, p.Asn128= (NM_001287182.2, NM_001287183.2, NM_001287184.2).
Identifiers: ClinVar variation 36351 (VCV000036351.23), dbSNP rs113308087, ClinGen allele CA213943.